The following is an entry in ClinVar:

NM_025137.4(SPG11):c.1007G>A (p.Arg336Lys)

Gene: SPG11 (SPG11 vesicle trafficking associated, spatacsin; minus strand). Cytogenetic location: 15q21.1.
Variant type: single nucleotide variant.
Coding change: c.1007G>A on transcript NM_025137.4 (MANE Select); coding-DNA position 1007, G replaced by A.
Protein change: p.Arg336Lys; replaces arginine 336 with lysine.
Molecular consequence: missense variant.
Genome position (GRCh38, 1-based): chr15:44,652,129, C>T on the plus strand (G>A on the coding strand, the complement: SPG11 is on the minus strand). VCF-style: chr15-44652129-C-T. GRCh37 (hg19) VCF-style: chr15-44944327-C-T.
Other names: p.Arg336Lys; c.1007G>A, p.Arg336Lys (NM_001160227.2); short protein forms R336K.
Identifiers: ClinVar variation 1346009 (VCV001346009.7), dbSNP rs892937993, ClinGen allele CA270102896.

ClinVar aggregate classification (germline): Uncertain significance. Review status: criteria provided, multiple submitters, no conflicts (2 of 4 stars). 7 submissions from 5 submitters: Uncertain significance (7). Last evaluated 2024-03-04.

Conditions:
Charcot-Marie-Tooth disease axonal type 2X. Also called: CHARCOT-MARIE-TOOTH DISEASE, AXONAL, AUTOSOMAL RECESSIVE, TYPE 2X; CHARCOT-MARIE-TOOTH NEUROPATHY, TYPE 2X. Identifiers: Orphanet 466775, MedGen C5569024, MONDO:0014726, OMIM 616668.
Amyotrophic lateral sclerosis type 5 (ALS5). Also called: AMYOTROPHIC LATERAL SCLEROSIS 5, JUVENILE. Identifiers: Orphanet 300605, MedGen C1865864, MONDO:0011196, OMIM 602099.
Hereditary spastic paraplegia 11. Also called: Spastic Paraplegia 11; Nakamura Osame syndrome; Autosomal recessive hereditary spastic paraplegia, mental impairment, and thin corpus callosum; SPASTIC PARAPLEGIA, AUTOSOMAL RECESSIVE, COMPLICATED, WITH THIN CORPUS CALLOSUM; SPASTIC PARAPLEGIA, AUTOSOMAL RECESSIVE, WITH MENTAL IMPAIRMENT AND THIN CORPUS CALLOSUM; Spastic paraplegia, mental retardation and thin corpus callosum. Identifiers: Orphanet 2822, MedGen C1858479, MONDO:0011445, OMIM 604360.

Allele frequency attached by ClinVar (database versions not stated): gnomAD exomes below 0.00001.
gnomAD v4.1: 16 of 1,614,012 alleles (0.00099%); highest among the groups gnomAD compares: Non-Finnish European, 0.0014%; no homozygotes.

Submissions (7):

Mayo Clinic Laboratories, Mayo Clinic
Classification: Uncertain significance. Last evaluated: 2024-03-04. Review status: criteria provided, single submitter. Criteria: ACMG Guidelines, 2015. Collection method: clinical testing. Allele origin: germline. Observed: 1 variant allele.
Comment: PM2_moderate

Athena Diagnostics
Classification: Uncertain significance. Last evaluated: 2023-11-08. Review status: criteria provided, single submitter. Criteria: Athena Diagnostics Criteria. Collection method: clinical testing. Allele origin: unknown.
Comment: Available data are insufficient to determine the clinical significance of the variant at this time. The frequency of this variant in the general population is uninformative in assessment of its pathogenicity. Computational tools disagree on the variant's effect on normal protein function.

Labcorp Genetics (formerly Invitae), Labcorp
Classification: Uncertain significance for Hereditary spastic paraplegia 11. Last evaluated: 2022-05-21. Review status: criteria provided, single submitter. Criteria: Invitae Variant Classification Sherloc (09022015). Collection method: clinical testing. Allele origin: germline.
Comment: This sequence change replaces arginine, which is basic and polar, with lysine, which is basic and polar, at codon 336 of the SPG11 protein (p.Arg336Lys). This variant also falls at the last nucleotide of exon 5, which is part of the consensus splice site for this exon. This variant is present in population databases (no rsID available, gnomAD 0.0009%). This variant has not been reported in the literature in individuals affected with SPG11-related conditions. Algorithms developed to predict the effect of missense changes on protein structure and function are either unavailable or do not agree on the potential impact of this missense change (SIFT: "Deleterious"; PolyPhen-2: "Possibly Damaging"; Align-GVGD: "Class C0"). Variants that disrupt the consensus splice site are a relatively common cause of aberrant splicing (PMID: 17576681, 9536098). Algorithms developed to predict the effect of sequence changes on RNA splicing suggest that this variant may disrupt the consensus splice site. In summary, the available evidence is currently insufficient to determine the role of this variant in disease. Therefore, it has been classified as a Variant of Uncertain Significance.

GeneDx
Classification: Uncertain significance. Last evaluated: 2022-01-12. Review status: criteria provided, single submitter. Criteria: GeneDx Variant Classification Process June 2021. Collection method: clinical testing. Allele origin: germline. Affected: yes.
Comment: Not observed at significant frequency in large population cohorts (gnomAD); In silico analysis supports that this missense variant does not alter protein structure/function; Has not been previously published as pathogenic or benign to our knowledge

Genome-Nilou Lab
Classification: Uncertain significance for Amyotrophic lateral sclerosis type 5. Review status: criteria provided, single submitter. Criteria: ACMG Guidelines, 2015. Collection method: clinical testing. Allele origin: germline.

Genome-Nilou Lab
Classification: Uncertain significance for Charcot-Marie-Tooth disease axonal type 2X. Review status: criteria provided, single submitter. Criteria: ACMG Guidelines, 2015. Collection method: clinical testing. Allele origin: germline.

Genome-Nilou Lab
Classification: Uncertain significance for Hereditary spastic paraplegia 11. Review status: criteria provided, single submitter. Criteria: ACMG Guidelines, 2015. Collection method: clinical testing. Allele origin: germline.

Literature cited by the submitters: PubMed 17576681 (cited by Labcorp Genetics (formerly Invitae), Labcorp); PubMed 9536098 (cited by Labcorp Genetics (formerly Invitae), Labcorp).